The following is an entry in ClinVar:

NM_005591.4(MRE11):c.1773_1774del (p.Gly593fs)

Gene: MRE11 (MRE11 double strand break repair nuclease; minus strand). Cytogenetic location: 11q21.
Variant type: Deletion.
Coding change: c.1773_1774del on transcript NM_005591.4 (MANE Select); coding-DNA positions 1773 to 1774, 2 bases deleted (AA; older notation c.1773_1774delAA).
Protein change: p.Gly593fs; shifts the reading frame from glycine 593.
Molecular consequence: frameshift variant.
Genome position (GRCh38, 1-based): chr11:94,447,228-94,447,229, TT deleted on the plus strand (AA on the coding strand, the reverse complement: MRE11 is on the minus strand); deleting any 2 consecutive bases within chr11:94,447,228-94,447,230 gives the same sequence; the c. name uses the placement nearest the transcript's 3' end. VCF-style (leftmost placement, unchanged base first): chr11-94447227-CTT-C. GRCh37 (hg19) VCF-style: chr11-94180393-CTT-C.
Other names: c.1773_1774del, p.Gly593fs (NM_001330347.2, NM_005590.4); c.1773_1774delAA (NM_005591.3); short protein forms G593fs.
Identifiers: ClinVar variation 483659 (VCV000483659.6), dbSNP rs1555005270, ClinGen allele CA658658096.

ClinVar aggregate classification (germline): Pathogenic/Likely pathogenic. Review status: criteria provided, multiple submitters, no conflicts (2 of 4 stars). 2 submissions from 2 submitters: Pathogenic (1); Likely pathogenic (1). Last evaluated 2024-04-20.

Conditions:
Hereditary cancer-predisposing syndrome. Also called: Neoplastic Syndromes, Hereditary; Tumor predisposition; Hereditary Cancer Syndrome; Hereditary neoplastic syndrome. Identifiers: Orphanet 140162, MedGen C0027672, MeSH D009386, MONDO:0015356.
Ataxia-telangiectasia-like disorder 1 (ATLD1). Identifiers: Orphanet 251347, MedGen C4012790, MONDO:0024557, OMIM 604391.

Submissions (2):

Fulgent Genetics
Classification: Likely pathogenic for Ataxia-telangiectasia-like disorder 1. Last evaluated: 2024-04-20. Review status: criteria provided, single submitter. Criteria: ACMG Guidelines, 2015. Collection method: clinical testing. Allele origin: germline.

Ambry Genetics
Classification: Pathogenic for Hereditary cancer-predisposing syndrome. Last evaluated: 2017-09-15. Review status: criteria provided, single submitter. Criteria: Ambry Variant Classification Scheme 2023. Collection method: clinical testing. Allele origin: germline.
Comment: The c.1773_1774delAA pathogenic mutation, located in coding exon 14 of the MRE11A gene, results from a deletion of two nucleotides at nucleotide positions 1773 to 1774, causing a translational frameshift with a predicted alternate stop codon (p.G593Kfs*12). This alteration is expected to result in loss of function by premature protein truncation or nonsense-mediated mRNA decay. As such, this alteration is interpreted as a disease-causing mutation.